The following is an entry in ClinVar:

ClinVar aggregate classification (germline): Uncertain significance (1 of 4 stars; one submission).

Conditions:
Anophthalmia/microphthalmia-esophageal atresia syndrome (MCOPS3). Also called: SOX2 Disorder; MICROPHTHALMIA AND ESOPHAGEAL ATRESIA SYNDROME; AEG SYNDROME. Identifiers: Orphanet 77298, MedGen C1859773, MONDO:0008799, OMIM 206900.

Submission:

Labcorp Genetics (formerly Invitae), Labcorp
Classification: Uncertain significance for Anophthalmia/microphthalmia-esophageal atresia syndrome. Last evaluated: 2018-05-03. Review status: criteria provided, single submitter. Criteria: Invitae Variant Classification Sherloc (09022015). Collection method: clinical testing. Allele origin: germline.
Comment: This variant is not present in population databases (ExAC no frequency). In summary, the available evidence is currently insufficient to determine the role of this variant in disease. Therefore, it has been classified as a Variant of Uncertain Significance. Algorithms developed to predict the effect of missense changes on protein structure and function do not agree on the potential impact of this missense change (SIFT: "Deleterious"; PolyPhen-2: "Probably Damaging"; Align-GVGD: "Class C0"). This variant has not been reported in the literature in individuals with SOX2-related disease. This sequence change replaces arginine with tryptophan at codon 56 of the SOX2 protein (p.Arg56Trp). The arginine residue is highly conserved and there is a moderate physicochemical difference between arginine and tryptophan.

NM_003106.4(SOX2):c.166C>T (p.Arg56Trp)

Genes: SOX2-OT (SOX2 overlapping transcript; plus strand), SOX2 (SRY-box transcription factor 2; plus strand), LOC108281177 (SOX2 5' regulatory region; plus strand). Cytogenetic location: 3q26.33.
Variant type: single nucleotide variant.
Coding change: c.166C>T on transcript NM_003106.4 (MANE Select); coding-DNA position 166, C replaced by T.
Protein change: p.Arg56Trp; replaces arginine 56 with tryptophan.
Molecular consequence: missense variant.
Genome position (GRCh38, 1-based): chr3:181,712,526, C>T. VCF-style: chr3-181712526-C-T. GRCh37 (hg19) VCF-style: chr3-181430314-C-T.
Other names: short protein forms R56W.
Identifiers: ClinVar variation 565623 (VCV000565623.9), dbSNP rs1560264293, ClinGen allele CA355473269.